The following is an entry in ClinVar:

NM_198506.5(LRIT3):c.1159T>G (p.Trp387Gly)

Gene: LRIT3 (leucine rich repeat, Ig-like and transmembrane domains 3; plus strand). Cytogenetic location: 4q25.
Variant type: single nucleotide variant.
Coding change: c.1159T>G on transcript NM_198506.5 (MANE Select); coding-DNA position 1159, T replaced by G.
Protein change: p.Trp387Gly; replaces tryptophan 387 with glycine.
Molecular consequence: missense variant.
Genome position (GRCh38, 1-based): chr4:109,869,908, T>G. VCF-style: chr4-109869908-T-G. GRCh37 (hg19) VCF-style: chr4-110791064-T-G.
Other names: c.1024T>G (NM_198506.2); short protein forms W387G.
Identifiers: ClinVar variation 860341 (VCV000860341.9), dbSNP rs140494004, ClinGen allele CA3043145.
Genomic context (GRCh38, chr4:109,869,908, plus strand): 5'-TGGGATGTCCAGCCGGGATCTGGAAGATCTACATCTGTATCTAGCGCATCATCATATCTT[T>G]GGTCCTCTTCCTTCTCCCCCACATCTTCTTTTTCTGCTTCTACTTTGTCTCCTCCCTCTA-3'
Protein context (NP_940908.3, residues 377-397): TSVSSASSYL[Trp387Gly]SSSFSPTSSF

ClinVar aggregate classification (germline): Conflicting classifications of pathogenicity. Review status: criteria provided, conflicting classifications (1 of 4 stars). 4 submissions from 4 submitters: Uncertain significance (3); Benign (1). Last evaluated 2024-04-15.

Conditions:
Inborn genetic diseases. Identifiers: MedGen C0950123, MeSH D030342.
Congenital stationary night blindness 1F. Also called: Night blindness, congenital stationary (complete), 1F, autosomal recessive. Identifiers: Orphanet 215, MedGen C3554399, MONDO:0014026, OMIM 615058.

Allele frequency attached by ClinVar (database versions not stated): 1000 Genomes Project 30x 0.00016; 1000 Genomes Project 0.00020; TOPMed 0.00061; ESP Exome Variant Server 0.00069.
gnomAD v4.1: 209 of 1,614,114 alleles (0.013%); highest among the groups gnomAD compares: African/African-American, 0.24%; no homozygotes.

Submissions (4):

Blueprint Genetics
Classification: Benign. Last evaluated: 2024-04-15. Review status: criteria provided, single submitter. Criteria: ACMG Guidelines, 2015. Collection method: clinical testing. Allele origin: germline.

Labcorp Genetics (formerly Invitae), Labcorp
Classification: Uncertain significance. Last evaluated: 2022-10-13. Review status: criteria provided, single submitter. Criteria: Invitae Variant Classification Sherloc (09022015). Collection method: clinical testing. Allele origin: germline.
Comment: This sequence change replaces tryptophan, which is neutral and slightly polar, with glycine, which is neutral and non-polar, at codon 387 of the LRIT3 protein (p.Trp387Gly). This variant is present in population databases (rs140494004, gnomAD 0.2%). This variant has not been reported in the literature in individuals affected with LRIT3-related conditions. ClinVar contains an entry for this variant (Variation ID: 860341). Algorithms developed to predict the effect of missense changes on protein structure and function output the following: SIFT: "Tolerated"; PolyPhen-2: "Benign"; Align-GVGD: "Class C0". The glycine amino acid residue is found in multiple mammalian species, which suggests that this missense change does not adversely affect protein function. In summary, the available evidence is currently insufficient to determine the role of this variant in disease. Therefore, it has been classified as a Variant of Uncertain Significance.

Ambry Genetics
Classification: Uncertain significance for Inborn genetic diseases. Last evaluated: 2021-09-01. Review status: criteria provided, single submitter. Criteria: Ambry Variant Classification Scheme 2023. Collection method: clinical testing. Allele origin: germline.

Illumina Laboratory Services, Illumina
Classification: Uncertain significance for Congenital stationary night blindness 1F. Last evaluated: 2018-01-13. Review status: criteria provided, single submitter. Criteria: ICSL Variant Classification Criteria 13 December 2019. Collection method: clinical testing. Allele origin: germline.